The following is an entry in ClinVar:

NM_001348716.2(KDM6B):c.3523A>G (p.Lys1175Glu)

Gene: KDM6B (lysine demethylase 6B; plus strand). Cytogenetic location: 17p13.1.
Variant type: single nucleotide variant.
Coding change: c.3523A>G on transcript NM_001348716.2 (MANE Select); coding-DNA position 3523, A replaced by G.
Protein change: p.Lys1175Glu; replaces lysine 1175 with glutamic acid.
Molecular consequence: missense variant.
Genome position (GRCh38, 1-based): chr17:7,849,903, A>G. VCF-style: chr17-7849903-A-G. GRCh37 (hg19) VCF-style: chr17-7753221-A-G.
Other names: c.3523A>G, p.Lys1175Glu (NM_001080424.2); short protein forms K1175E.
Identifiers: ClinVar variation 4886006 (VCV004886006.2).

ClinVar aggregate classification (germline): Uncertain significance (1 of 4 stars; one submission).

Submission:

Dasa
Classification: Uncertain significance. Last evaluated: 2025-01-03. Review status: criteria provided, single submitter. Criteria: DASA Assertion Criteria. Collection method: clinical testing. Allele origin: germline.
Comment: NM_001348716.2(KDM6B):c.3523A>G (p.Lys1175Glu) is a missense variant that results in the substitution of lysine with glutamic acid. This variant is absent from population databases. Computational prediction algorithms are consistent with a benign effect. The currently available literature and clinical evidence are not sufficient to establish a definitive association between this variant and the reported condition. Therefore, this variant is classified as a variant of uncertain significance.